The following is an entry in ClinVar:

ClinVar aggregate classification (germline): Uncertain significance (1 of 4 stars; one submission).

Conditions:
SPECC1L-related disorder. Also called: SPECC1L-related condition.

Allele frequency attached by ClinVar (database versions not stated): gnomAD exomes below 0.00001.
gnomAD v4.1: 1 of 1,614,206 alleles (0.000062%); highest among the groups gnomAD compares: Non-Finnish European, 0.000085%; no homozygotes.

Submission:

PreventionGenetics, part of Exact Sciences
Classification: Uncertain significance for SPECC1L-related condition. Last evaluated: 2023-07-20. Review status: criteria provided, single submitter. Criteria: ACMG Guidelines, 2015. Collection method: clinical testing. Allele origin: germline.
Comment: The SPECC1L c.1061A>G variant is predicted to result in the amino acid substitution p.Gln354Arg. To our knowledge, this variant has not been reported in the literature or in a large population database, indicating this variant is rare. At this time, the clinical significance of this variant is uncertain due to the absence of conclusive functional and genetic evidence.

NM_015330.6(SPECC1L):c.1061A>G (p.Gln354Arg)

Genes: SPECC1L (sperm antigen with calponin homology and coiled-coil domains 1 like; plus strand), SPECC1L-ADORA2A (SPECC1L-ADORA2A readthrough (NMD candidate); plus strand). Cytogenetic location: 22q11.23.
Variant type: single nucleotide variant.
Coding change: c.1061A>G on transcript NM_015330.6 (MANE Select); coding-DNA position 1061, A replaced by G.
Protein change: p.Gln354Arg; replaces glutamine 354 with arginine.
Molecular consequence: missense variant. On other transcripts: non-coding transcript variant (1).
Genome position (GRCh38, 1-based): chr22:24,322,041, A>G. VCF-style: chr22-24322041-A-G. GRCh37 (hg19) VCF-style: chr22-24718009-A-G.
Other names: c.1061A>G, p.Gln354Arg (NM_001145468.4, NM_001254732.3); short protein forms Q354R.
Identifiers: ClinVar variation 2631320 (VCV002631320.1), dbSNP rs2517652091, ClinGen allele CA410967167.
Genomic context (GRCh38, chr22:24,322,041, plus strand): 5'-TGGACCATCAGCACAGTAACTCCATGGACAATTTAGACAGTGAGTGCAGTGAGGTCTACC[A>G]GCCCCTCACATCGAGCGATGATGCGCTGGATGCACCATCCTCCTCAGAGTCGGAAGGCAT-3'
Protein context (NP_056145.5, residues 344-364): NLDSECSEVY[Gln354Arg]PLTSSDDALD